The following is an entry in ClinVar:

ClinVar aggregate classification (germline): Conflicting classifications of pathogenicity. Review status: criteria provided, conflicting classifications (1 of 4 stars). 6 submissions from 6 submitters: Pathogenic (1); Uncertain significance (5). Last evaluated 2025-12-29.

Conditions:
Amyotrophic lateral sclerosis type 12 (ALS12). Also called: AMYOTROPHIC LATERAL SCLEROSIS 12 WITH OR WITHOUT FRONTOTEMPORAL DEMENTIA. Identifiers: Orphanet 803, MedGen C3150692, MONDO:0013264, OMIM 613435.
Primary open angle glaucoma (POAG). Also called: OPTN-related open angle glaucoma. Identifiers: MedGen C0339573, MONDO:0100553, OMIM 137760.
Glaucoma 1, open angle, E. Identifiers: MedGen C1842026, MONDO:0007665.
Motor neuron disease. Also called: Degenerative motor system disease; Motor neuron disorder. Identifiers: Orphanet 98503, MedGen C0085084, MONDO:0020128.
Inborn genetic diseases. Identifiers: MedGen C0950123, MeSH D030342.

Allele frequency attached by ClinVar (database versions not stated): gnomAD 0.00007; TOPMed 0.00008; gnomAD exomes 0.00011 and 0.00015; ExAC 0.00013; ESP Exome Variant Server 0.00023.
gnomAD v4.1: 169 of 1,613,880 alleles (0.01%); highest among the groups gnomAD compares: Middle Eastern, 0.082%; 1 homozygote.

Submissions (6):

Labcorp Genetics (formerly Invitae), Labcorp
Classification: Uncertain significance for Primary open angle glaucoma; Glaucoma 1, open angle, E; Amyotrophic lateral sclerosis type 12. Last evaluated: 2025-12-29. Review status: criteria provided, single submitter. Criteria: Invitae Variant Classification Sherloc (09022015). Collection method: clinical testing. Allele origin: germline.
Comment: This sequence change replaces glutamine, which is neutral and polar, with leucine, which is neutral and non-polar, at codon 314 of the OPTN protein (p.Gln314Leu). This variant is present in population databases (rs142812715, gnomAD 0.03%). This missense change has been observed in individual(s) with clinical features of OPTN-related conditions (PMID: 21613650, 23138764, 25382069, 28089114, 31000212, 32028661, 33770234, 36133075, 36570531). ClinVar contains an entry for this variant (Variation ID: 266060). Invitae Evidence Modeling of protein sequence and biophysical properties (such as structural, functional, and spatial information, amino acid conservation, physicochemical variation, residue mobility, and thermodynamic stability) has been performed for this missense variant. However, the output from this modeling did not meet the statistical confidence thresholds required to predict the impact of this variant on OPTN protein function. In summary, the available evidence is currently insufficient to determine the role of this variant in disease. Therefore, it has been classified as a Variant of Uncertain Significance.

Blueprint Genetics
Classification: Uncertain significance. Last evaluated: 2024-06-27. Review status: criteria provided, single submitter. Criteria: ACMG Guidelines, 2015. Collection method: clinical testing. Allele origin: germline.

Athena Diagnostics
Classification: Uncertain significance. Last evaluated: 2023-02-09. Review status: criteria provided, single submitter. Criteria: Athena Diagnostics Criteria. Collection method: clinical testing. Allele origin: unknown.
Comment: Available data are insufficient to determine the clinical significance of the variant at this time. The frequency of this variant in the general population is uninformative in assessment of its pathogenicity. This variant has been identified in at least one individual with amyotrophic lateral sclerosis. Computational tools predict that this variant is damaging.

Ambry Genetics
Classification: Uncertain significance for Inborn genetic diseases. Last evaluated: 2022-06-02. Review status: criteria provided, single submitter. Criteria: Ambry Variant Classification Scheme 2023. Collection method: clinical testing. Allele origin: germline.
Comment: The p.Q314L variant (also known as c.941A>T), located in coding exon 7 of the OPTN gene, results from an A to T substitution at nucleotide position 941. The glutamine at codon 314 is replaced by leucine, an amino acid with dissimilar properties. This amino acid position is well conserved in available vertebrate species. In addition, this alteration is predicted to be deleterious by in silico analysis. Based on the supporting evidence, this variant is unlikely to be causative of autosomal dominant amyotrophic lateral sclerosis; however, its contribution to the development of autosomal recessive amyotrophic lateral sclerosis is uncertain.

CeGaT Center for Human Genetics Tuebingen
Classification: Uncertain significance. Last evaluated: 2022-02-01. Review status: criteria provided, single submitter. Criteria: CeGaT Center For Human Genetics Tuebingen Variant Classification Criteria Version 2. Collection method: clinical testing. Allele origin: germline. Affected: yes. Observed: 1 variant allele.

Centre for Genomic and Experimental Medicine, University of Edinburgh
Classification: Pathogenic for Motor neuron disease. Last evaluated: 2016-08-31. Review status: criteria provided, single submitter. Criteria: Submitter's publication. Collection method: case-control. Allele origin: unknown. Affected: yes and no. Observed: 2 heterozygotes.

Literature cited by the submitters: PubMed 21613650 (cited by Labcorp Genetics (formerly Invitae), Labcorp and Athena Diagnostics); PubMed 23138764 (cited by Labcorp Genetics (formerly Invitae), Labcorp and Athena Diagnostics); PubMed 25382069 (cited by Labcorp Genetics (formerly Invitae), Labcorp and Athena Diagnostics); PubMed 28089114 (cited by 3 submitters); PubMed 31000212 (cited by Labcorp Genetics (formerly Invitae), Labcorp and Athena Diagnostics); PubMed 32028661 (cited by Labcorp Genetics (formerly Invitae), Labcorp and Athena Diagnostics); PubMed 33770234 (cited by Labcorp Genetics (formerly Invitae), Labcorp and Athena Diagnostics); PubMed 36133075 (cited by Labcorp Genetics (formerly Invitae), Labcorp and Athena Diagnostics); PubMed 36570531 (cited by Labcorp Genetics (formerly Invitae), Labcorp and Athena Diagnostics); PubMed 32397312 (cited by Athena Diagnostics); PubMed 30672142 (cited by Athena Diagnostics); PubMed 23447461 (cited by Athena Diagnostics).

NM_001008212.2(OPTN):c.941A>T (p.Gln314Leu)

Gene: OPTN (optineurin; plus strand). Cytogenetic location: 10p13.
Variant type: single nucleotide variant.
Coding change: c.941A>T on transcript NM_001008212.2 (MANE Select); coding-DNA position 941, A replaced by T.
Protein change: p.Gln314Leu; replaces glutamine 314 with leucine.
Molecular consequence: missense variant.
Genome position (GRCh38, 1-based): chr10:13,124,053, A>T. VCF-style: chr10-13124053-A-T. GRCh37 (hg19) VCF-style: chr10-13166053-A-T.
Other names: c.941A>T, p.Gln314Leu (NM_001008211.1, NM_001008213.1, NM_021980.4); short protein forms Q314L.
Identifiers: ClinVar variation 266060 (VCV000266060.43), dbSNP rs142812715, ClinGen allele CA5410811.
Genomic context (GRCh38, chr10:13,124,053, plus strand): 5'-AGGTTGGAAGCGAAGTGGAAGCACTGAACCTCCAGGTGACATCTCTGTTTAAGGAGCTTC[A>T]AGAGGCTCATACAAAACTCAGCGAAGCTGAGCTAATGAAGAAGAGACTTCAAGAAAAGTA-3'
Protein context (NP_001008213.1, residues 304-324): LQVTSLFKEL[Gln314Leu]EAHTKLSEAE